The following is an entry in ClinVar:

NM_014714.4(IFT140):c.2812C>G (p.Leu938Val)

Genes: IFT140 (intraflagellar transport 140; minus strand), LOC126862260 (CDK7 strongly-dependent group 2 enhancer GRCh37_chr16:1574508-1575707; plus strand). Cytogenetic location: 16p13.3.
Variant type: single nucleotide variant.
Coding change: c.2812C>G on transcript NM_014714.4 (MANE Select); coding-DNA position 2812, C replaced by G.
Protein change: p.Leu938Val; replaces leucine 938 with valine.
Molecular consequence: missense variant.
Genome position (GRCh38, 1-based): chr16:1,525,283, G>C on the plus strand (C>G on the coding strand, the complement: IFT140 is on the minus strand). VCF-style: chr16-1525283-G-C. GRCh37 (hg19) VCF-style: chr16-1575284-G-C.
Other names: short protein forms L938V.
Identifiers: ClinVar variation 1484388 (VCV001484388.6), dbSNP rs2141175204, ClinGen allele CA394226799.

ClinVar aggregate classification (germline): Uncertain significance (1 of 4 stars; one submission).

Conditions:
Saldino-Mainzer syndrome (SRTD9). Also called: Renal dysplasia, retinal pigmentary dystrophy, cerebellar ataxia and skeletal dysplasia; CONORENAL SYNDROME; SHORT-RIB THORACIC DYSPLASIA 9 WITHOUT POLYDACTYLY; short-rib thoracic dysplasia 9 with or without polydactyly. Identifiers: Orphanet 140969, MedGen C1849437, MONDO:0009964, OMIM 266920.

Submission:

Labcorp Genetics (formerly Invitae), Labcorp
Classification: Uncertain significance for Saldino-Mainzer syndrome. Last evaluated: 2022-08-10. Review status: criteria provided, single submitter. Criteria: Invitae Variant Classification Sherloc (09022015). Collection method: clinical testing. Allele origin: germline.
Comment: This sequence change replaces leucine, which is neutral and non-polar, with valine, which is neutral and non-polar, at codon 938 of the IFT140 protein (p.Leu938Val). This variant is not present in population databases (gnomAD no frequency). This variant has not been reported in the literature in individuals affected with IFT140-related conditions. ClinVar contains an entry for this variant (Variation ID: 1484388). Algorithms developed to predict the effect of missense changes on protein structure and function are either unavailable or do not agree on the potential impact of this missense change (SIFT: "Deleterious"; PolyPhen-2: "Possibly Damaging"; Align-GVGD: "Class C0"). In summary, the available evidence is currently insufficient to determine the role of this variant in disease. Therefore, it has been classified as a Variant of Uncertain Significance.